The following is an entry in ClinVar:

NM_016156.6(MTMR2):c.579dup (p.Ala194fs)

Gene: MTMR2 (myotubularin related protein 2; minus strand). Cytogenetic location: 11q21.
Variant type: Duplication.
Coding change: c.579dup on transcript NM_016156.6 (MANE Select); coding-DNA position 579, one base duplicated (T; older notation c.579dupT).
Protein change: p.Ala194fs; shifts the reading frame from alanine 194.
Molecular consequence: frameshift variant.
Genome position (GRCh38, 1-based): chr11:95,857,627, A duplicated on the plus strand (T on the coding strand, the reverse complement: MTMR2 is on the minus strand); the first of 5 consecutive A bases (chr11:95,857,627-95,857,631); duplicating any one gives the same sequence. VCF-style (leftmost placement, unchanged base first): chr11-95857626-C-CA. GRCh37 (hg19) VCF-style: chr11-95590790-C-CA.
Other names: c.363dup, p.Ala122fs (NM_001243571.2, NM_201278.3, NM_201281.3); short protein forms A122fs, A194fs.
Identifiers: ClinVar variation 2819176 (VCV002819176.3), dbSNP rs2496561076, ClinGen allele CA2739270770.

ClinVar aggregate classification (germline): Pathogenic (1 of 4 stars; one submission).

Conditions:
Charcot-Marie-Tooth disease type 4. Also called: Charcot-Marie-Tooth disease, type IV; Charcot-Marie-Tooth, Type 4. Identifiers: Orphanet 64749, MedGen C4082197, MONDO:0018995.

Submission:

Labcorp Genetics (formerly Invitae), Labcorp
Classification: Pathogenic for Charcot-Marie-Tooth disease type 4. Last evaluated: 2022-12-07. Review status: criteria provided, single submitter. Criteria: Invitae Variant Classification Sherloc (09022015). Collection method: clinical testing. Allele origin: germline.
Comment: For these reasons, this variant has been classified as Pathogenic. This variant has not been reported in the literature in individuals affected with MTMR2-related conditions. This variant is not present in population databases (gnomAD no frequency). This sequence change creates a premature translational stop signal (p.Ala194Cysfs*3) in the MTMR2 gene. It is expected to result in an absent or disrupted protein product. Loss-of-function variants in MTMR2 are known to be pathogenic (PMID: 10802647).

Literature cited by the submitters: PubMed 10802647.